The following is an entry in ClinVar:

ClinVar aggregate classification (germline): Likely benign (1 of 4 stars; one submission).

gnomAD v4.1: 1 of 1,613,820 alleles (0.000062%); highest among the groups gnomAD compares: Non-Finnish European, 0.000085%; no homozygotes.

Submission:

Women's Health and Genetics/Laboratory Corporation of America, LabCorp
Classification: Likely benign. Last evaluated: 2025-11-10. Review status: criteria provided, single submitter. Criteria: LabCorp Variant Classification Summary - May 2015. Collection method: clinical testing. Allele origin: germline.
Comment: Variant summary: SLC39A13 c.1020-15G>T alters a nucleotide located at a position not widely known to affect splicing. Consensus agreement among computation tools predict no significant impact on normal splicing. However, these predictions have yet to be confirmed by functional studies. The variant was absent in 251056 control chromosomes. The available data on variant occurrences in the general population are insufficient to allow any conclusion about variant significance. To our knowledge, no occurrence of c.1020-15G>T in individuals affected with SLC39A13-related conditions and no experimental evidence demonstrating its impact on protein function have been reported. No submitters have cited clinical-significance assessments for this variant to ClinVar. Based on the evidence outlined above, the variant was classified as likely benign.

NM_001128225.3(SLC39A13):c.1041-15G>T

Gene: SLC39A13 (solute carrier family 39 member 13; plus strand). Cytogenetic location: 11p11.2.
Variant type: single nucleotide variant.
Coding change: c.1041-15G>T on transcript NM_001128225.3 (MANE Select); 15 bases into the intron before coding-DNA position 1041, G replaced by T.
Molecular consequence: intron variant.
Genome position (GRCh38, 1-based): chr11:47,415,273, G>T. VCF-style: chr11-47415273-G-T. GRCh37 (hg19) VCF-style: chr11-47436824-G-T.
Other names: c.1020-15G>T (NM_001441271.1, NM_152264.5); c.*38-15G>T (NM_001330245.2, NM_001441275.1, NM_001441276.1); c.930-15G>T (NM_001441273.1); c.933-15G>T (NM_001441272.1); c.822-15G>T (NM_001441274.1).
Identifiers: ClinVar variation 4536916 (VCV004536916.1).